The following is an entry in ClinVar:

ClinVar aggregate classification (germline): Pathogenic (1 of 4 stars; one submission).

Submission:

Labcorp Genetics (formerly Invitae), Labcorp
Classification: Pathogenic. Last evaluated: 2024-11-19. Review status: criteria provided, single submitter. Criteria: Invitae Variant Classification Sherloc (09022015). Collection method: clinical testing. Allele origin: germline.
Comment: This sequence change creates a premature translational stop signal (p.Val1062Metfs*28) in the ABCC8 gene. It is expected to result in an absent or disrupted protein product. Loss-of-function variants in ABCC8 are known to be pathogenic (PMID: 20685672, 23345197). This variant is not present in population databases (gnomAD no frequency). This variant has not been reported in the literature in individuals affected with ABCC8-related conditions. For these reasons, this variant has been classified as Pathogenic.

Literature cited by the submitters: PubMed 20685672; PubMed 23345197.

NM_000352.6(ABCC8):c.3184_3187del (p.Val1062fs)

Gene: ABCC8 (ATP binding cassette subfamily C member 8; minus strand). Cytogenetic location: 11p15.1.
Variant type: Deletion.
Coding change: c.3184_3187del on transcript NM_000352.6 (MANE Select); coding-DNA positions 3184 to 3187, 4 bases deleted (GTCT; older notation c.3184_3187delGTCT).
Protein change: p.Val1062fs; shifts the reading frame from valine 1062.
Molecular consequence: frameshift variant. On other transcripts: non-coding transcript variant (1).
Genome position (GRCh38, 1-based): chr11:17,406,764-17,406,767, AGAC deleted on the plus strand (GTCT on the coding strand, the reverse complement: ABCC8 is on the minus strand); deleting any 4 consecutive bases within chr11:17,406,764-17,406,769 gives the same sequence; the c. name uses the placement nearest the transcript's 3' end. VCF-style (leftmost placement, unchanged base first): chr11-17406763-TAGAC-T. GRCh37 (hg19) VCF-style: chr11-17428310-TAGAC-T.
Other names: c.3187_3190del, p.Val1063fs (NM_001287174.3); c.3250_3253del, p.Val1084fs (NM_001351295.2); c.3184_3187del, p.Val1062fs (NM_001351296.2); c.3181_3184del, p.Val1061fs (NM_001351297.2); short protein forms V1062fs, V1063fs, V1061fs, V1084fs.
Identifiers: ClinVar variation 3725610 (VCV003725610.2).
Genomic context (GRCh38, chr11:17,406,763, plus strand): 5'-ACAGACGTGACGAGGCACAGCACAATGCCCAGGCTGCAGAGCACCGTGAACACCATGGCA[TAGAC>T]AGTCTGGTCGAGGGTGCACTCCTTCACAGGCAGAGAGTGATTTGGAGTTCCAGGGTGCCC-3'